The following is an entry in ClinVar:

NM_014334.4(FRRS1L):c.437T>C (p.Val146Ala)

Gene: FRRS1L (ferric chelate reductase 1 like; minus strand). Cytogenetic location: 9q31.3.
Variant type: single nucleotide variant.
Coding change: c.437T>C on transcript NM_014334.4 (MANE Select); coding-DNA position 437, T replaced by C.
Protein change: p.Val146Ala; replaces valine 146 with alanine.
Molecular consequence: missense variant.
Genome position (GRCh38, 1-based): chr9:109,147,076, A>G on the plus strand (T>C on the coding strand, the complement: FRRS1L is on the minus strand). VCF-style: chr9-109147076-A-G. GRCh37 (hg19) VCF-style: chr9-111909356-A-G.
Other names: short protein forms V146A.
Identifiers: ClinVar variation 1309603 (VCV001309603.2), dbSNP rs1588099321, ClinGen allele CA374426666.

ClinVar aggregate classification (germline): Uncertain significance (1 of 4 stars; one submission).

gnomAD v4.1: 2 of 1,613,998 alleles (0.00012%); highest among the groups gnomAD compares: Non-Finnish European, 0.00017%; no homozygotes.

Submission:

GeneDx
Classification: Uncertain significance. Last evaluated: 2019-10-24. Review status: criteria provided, single submitter. Criteria: GeneDx Variant Classification Process June 2021. Collection method: clinical testing. Allele origin: germline. Affected: yes.
Comment: Not observed in large population cohorts (Lek et al., 2016); In silico analysis, which includes protein predictors and evolutionary conservation, supports a deleterious effect; Has not been previously published as pathogenic or benign to our knowledge